The following is an entry in ClinVar:

ClinVar aggregate classification (germline): Pathogenic/Likely pathogenic. Review status: criteria provided, multiple submitters, no conflicts (2 of 4 stars). 6 submissions from 6 submitters: Pathogenic (1); Likely pathogenic (4). 1 of the submissions does not count toward it. Last evaluated 2025-03-18.

Conditions:
Gastrointestinal defects and immunodeficiency syndrome 1 (GIDID1). Also called: Combined immunodeficiency-enteropathy spectrum. Identifiers: Orphanet 436252, MedGen C5968858, MONDO:0800030, OMIM 243150.
Gastrointestinal defect and immunodeficiency syndrome. Also called: Gastrointestinal defects and immunodeficiency syndrome. Identifiers: MedGen C5234880, MONDO:0030831.
TTC7A-related disorder. Also called: TTC7A-related condition.
Multiple gastrointestinal atresias. Also called: Multiple intestinal atresia; FAMILIAL INTESTINAL POLYATRESIA SYNDROME. Identifiers: Orphanet 2300, MedGen C0220744, MONDO:0009465.

Allele frequency attached by ClinVar (database versions not stated): gnomAD exomes below 0.00001 and 0.00001; ExAC 0.00001; gnomAD 0.00001; TOPMed 0.00001.
gnomAD v4.1: 20 of 1,613,570 alleles (0.0012%); highest among the groups gnomAD compares: Non-Finnish European, 0.0015%; no homozygotes.

Submissions (6):

Labcorp Genetics (formerly Invitae), Labcorp
Classification: Pathogenic for Multiple gastrointestinal atresias. Last evaluated: 2025-03-18. Review status: criteria provided, single submitter. Criteria: Invitae Variant Classification Sherloc (09022015). Collection method: clinical testing. Allele origin: germline.
Comment: This sequence change replaces leucine, which is neutral and non-polar, with proline, which is neutral and non-polar, at codon 823 of the TTC7A protein (p.Leu823Pro). This variant is present in population databases (rs587776972, gnomAD 0.0009%). This missense change has been observed in individual(s) with gastrointestinal defects and immunodeficiency syndrome (PMID: 23423984, 23830146). In at least one individual the data is consistent with being in trans (on the opposite chromosome) from a pathogenic variant. ClinVar contains an entry for this variant (Variation ID: 50609). Invitae Evidence Modeling of protein sequence and biophysical properties (such as structural, functional, and spatial information, amino acid conservation, physicochemical variation, residue mobility, and thermodynamic stability) indicates that this missense variant is expected to disrupt TTC7A protein function with a positive predictive value of 80%. For these reasons, this variant has been classified as Pathogenic.

Fulgent Genetics
Classification: Likely pathogenic for Gastrointestinal defects and immunodeficiency syndrome 1. Last evaluated: 2024-04-22. Review status: criteria provided, single submitter. Criteria: ACMG Guidelines, 2015. Collection method: clinical testing. Allele origin: germline.

Women's Health and Genetics/Laboratory Corporation of America, LabCorp
Classification: Likely pathogenic for Gastrointestinal defect and immunodeficiency syndrome. Last evaluated: 2023-03-21. Review status: criteria provided, single submitter. Criteria: LabCorp Variant Classification Summary - May 2015. Collection method: clinical testing. Allele origin: germline.
Comment: Variant summary: TTC7A c.2468T>C (p.Leu823Pro) results in a non-conservative amino acid change in the encoded protein sequence, altering a highly conserved residue (HGMD). Five of five in-silico tools predict a damaging effect of the variant on protein function. The variant allele was found at a frequency of 4e-06 in 250686 control chromosomes. c.2468T>C has been reported in the literature in individuals affected with multiple intestinal atresia (Samuels_2013, Chen_2013, Broome_2019), and some were reported as compound heterozygous with other (likely) pathogenic variants. These data indicate that the variant is likely to be associated with disease. To our knowledge, no experimental evidence demonstrating an impact on protein function has been reported. One submitter has provided a clinical-significance assessment for this variant to ClinVar after 2014 without , and classified the variant as likely pathogenic. Based on the evidence outlined above, the variant was classified as likely pathogenic.

Blueprint Genetics
Classification: Likely pathogenic for TTC7A-related disorders. Last evaluated: 2023-03-10. Review status: criteria provided, single submitter. Criteria: ACMG Guidelines, 2015. Collection method: clinical testing. Allele origin: germline. Affected: yes. Observed: 2 variant alleles.

GeneDx
Classification: Likely pathogenic. Last evaluated: 2016-08-18. Review status: criteria provided, single submitter. Criteria: GeneDx Variant Classification (06012015). Collection method: clinical testing. Allele origin: germline. Affected: yes.
Comment: The L823P variant in the TTC7A gene has been reported previously in trans with a loss of function variant in an affected individual with multiple intestinal atresias, and a second unrelated individual with combined immunodeficiency and multiple intestinal atresias (Samuels et al., 2013; Chen et al., 2013). The L823P variant was not observed in approximately 6500 individuals of European and African American ancestry in the NHLBI Exome Sequencing Project, indicating it is not a common benign variant in these populations. The L823P variant is a semi-conservative amino acid substitution, which may impact secondary protein structure as these residues differ in some properties. This substitution occurs at a position that is conserved across species. In silico analysis predicts this variant is probably damaging to the protein structure/function. The L823P variant is a strong candidate for a pathogenic variant, however the possibility it may be a rare benign variant cannot be excluded.

OMIM
Classification: Pathogenic for GASTROINTESTINAL DEFECTS AND IMMUNODEFICIENCY SYNDROME 1. Last evaluated: 2013-09-01. Review status: no assertion criteria provided. Collection method: literature only. Allele origin: germline. Not counted in ClinVar's aggregate classification.

Literature cited by the submitters: PubMed 23423984 (cited by 3 submitters); PubMed 23830146 (cited by 3 submitters); PubMed 31616743 (cited by Women's Health and Genetics/Laboratory Corporation of America, LabCorp).

NM_020458.4(TTC7A):c.2468T>C (p.Leu823Pro)

Gene: TTC7A (tetratricopeptide repeat domain 7A; plus strand). Cytogenetic location: 2p21.
Variant type: single nucleotide variant.
Coding change: c.2468T>C on transcript NM_020458.4 (MANE Select); coding-DNA position 2468, T replaced by C.
Protein change: p.Leu823Pro; replaces leucine 823 with proline.
Molecular consequence: missense variant.
Genome position (GRCh38, 1-based): chr2:47,073,814, T>C. VCF-style: chr2-47073814-T-C. GRCh37 (hg19) VCF-style: chr2-47300953-T-C.
Other names: c.2468T>C, p.Leu823Pro (LRG_1323t1); c.2540T>C, p.Leu847Pro (NM_001288951.2); c.2366T>C, p.Leu789Pro (NM_001288953.2); c.1406T>C, p.Leu469Pro (NM_001288955.2); c.2540T>C (NM_001288951.1); short protein forms L823P, L789P, L847P, L469P.
Identifiers: ClinVar variation 50609 (VCV000050609.11), dbSNP rs587776972, ClinGen allele CA143779.
Genomic context (GRCh38, chr2:47,073,814, plus strand): 5'-GTGATGCCGTGGAGAGGCAGAGTACGTGCCACGAGGCGTGGCAGGGCCTGGGCGAGGTGC[T>C]GCAGGCCCAGGGCCAGAACGAGGCTGCCGTTGACTGCTTCCTCACCGCCCTTGAGCTGGA-3'
Protein context (NP_065191.2, residues 813-833): HEAWQGLGEV[Leu823Pro]QAQGQNEAAV